The following is an entry in ClinVar:

NM_004006.3(DMD):c.3606A>C (p.Arg1202Ser)

Gene: DMD (dystrophin; minus strand). Cytogenetic location: Xp21.1.
Variant type: single nucleotide variant.
Coding change: c.3606A>C on transcript NM_004006.3 (MANE Select); coding-DNA position 3606, A replaced by C.
Protein change: p.Arg1202Ser; replaces arginine 1202 with serine.
Molecular consequence: missense variant.
Genome position (GRCh38, 1-based): chrX:32,448,636, T>G on the plus strand (A>C on the coding strand, the complement: DMD is on the minus strand). VCF-style: chrX-32448636-T-G. GRCh37 (hg19) VCF-style: chrX-32466753-T-G.
Other names: c.3582A>C, p.Arg1194Ser (NM_000109.4); c.3594A>C, p.Arg1198Ser (NM_004009.3); c.3237A>C, p.Arg1079Ser (NM_004010.3); short protein forms R1079S, R1194S, R1198S, R1202S.
Identifiers: ClinVar variation 3645212 (VCV003645212.2).

ClinVar aggregate classification (germline): Uncertain significance (1 of 4 stars; one submission).

Conditions:
Duchenne muscular dystrophy (DMD). Also called: MUSCULAR DYSTROPHY, PSEUDOHYPERTROPHIC PROGRESSIVE, DUCHENNE TYPE; Duchenne Muscular Dystrophy (DMD). Identifiers: Orphanet 98896, MedGen C0013264, MONDO:0010679, OMIM 310200.

Submission:

Labcorp Genetics (formerly Invitae), Labcorp
Classification: Uncertain significance for Duchenne muscular dystrophy. Last evaluated: 2024-03-16. Review status: criteria provided, single submitter. Criteria: Invitae Variant Classification Sherloc (09022015). Collection method: clinical testing. Allele origin: germline.
Comment: This sequence change replaces arginine, which is basic and polar, with serine, which is neutral and polar, at codon 1202 of the DMD protein (p.Arg1202Ser). This variant is not present in population databases (gnomAD no frequency). This variant has not been reported in the literature in individuals affected with DMD-related conditions. Algorithms developed to predict the effect of missense changes on protein structure and function output the following: SIFT: "Not Available"; PolyPhen-2: "Benign"; Align-GVGD: "Not Available". The serine amino acid residue is found in multiple mammalian species, which suggests that this missense change does not adversely affect protein function. In summary, the available evidence is currently insufficient to determine the role of this variant in disease. Therefore, it has been classified as a Variant of Uncertain Significance.